The following is an entry in ClinVar:

ClinVar aggregate classification (germline): Uncertain significance (0 of 4 stars; one submission).

Conditions:
KMT2B-related disorder. Also called: KMT2B-related disorders; KMT2B-related condition. Identifiers: MedGen CN381338.

Submission:

PreventionGenetics, part of Exact Sciences
Classification: Uncertain significance for KMT2B-related condition. Last evaluated: 2024-05-08. Review status: no assertion criteria provided. Collection method: clinical testing. Allele origin: germline.
Comment: The KMT2B c.1771T>A variant is predicted to result in the amino acid substitution p.Ser591Thr. To our knowledge, this variant has not been reported in the literature. This variant is reported in 0.00081% of alleles in individuals of European (Non-Finnish) descent in gnomAD. At this time, the clinical significance of this variant is uncertain due to the absence of conclusive functional and genetic evidence.

NM_014727.3(KMT2B):c.1771T>A (p.Ser591Thr)

Gene: KMT2B (lysine methyltransferase 2B; plus strand). Cytogenetic location: 19q13.12.
Variant type: single nucleotide variant.
Coding change: c.1771T>A on transcript NM_014727.3 (MANE Select); coding-DNA position 1771, T replaced by A.
Protein change: p.Ser591Thr; replaces serine 591 with threonine.
Molecular consequence: missense variant.
Genome position (GRCh38, 1-based): chr19:35,721,118, T>A. VCF-style: chr19-35721118-T-A. GRCh37 (hg19) VCF-style: chr19-36212020-T-A.
Other names: short protein forms S591T.
Identifiers: ClinVar variation 3354396 (VCV003354396.1).